The following is an entry in ClinVar:

NM_000536.4(RAG2):c.724del (p.Leu242fs)

Gene: RAG2 (recombination activating 2; minus strand). Cytogenetic location: 11p12.
Variant type: Deletion.
Coding change: c.724del on transcript NM_000536.4 (MANE Select); coding-DNA position 724, one base deleted (C; older notation c.724delC).
Protein change: p.Leu242fs; shifts the reading frame from leucine 242.
Molecular consequence: frameshift variant.
Genome position (GRCh38, 1-based): chr11:36,593,445, G deleted on the plus strand (C on the coding strand, the reverse complement: RAG2 is on the minus strand); the first of 4 consecutive G bases (chr11:36,593,445-36,593,448); deleting any one gives the same sequence. VCF-style (leftmost placement, unchanged base first): chr11-36593444-AG-A. GRCh37 (hg19) VCF-style: chr11-36614994-AG-A.
Other names: c.724del, p.Leu242fs (NM_001243785.2, NM_001243786.2); short protein forms L242fs.
Identifiers: ClinVar variation 1438791 (VCV001438791.8), dbSNP rs2133313784, ClinGen allele CA645592449.

ClinVar aggregate classification (germline): Pathogenic (1 of 4 stars; one submission).

Conditions:
Combined immunodeficiency with skin granulomas. Identifiers: Orphanet 157949, MedGen C2673536, MONDO:0009306, OMIM 233650.
Severe combined immunodeficiency, autosomal recessive, T cell-negative, B cell-negative, NK cell-positive. Also called: SCID, AR, T-cell negative, B-cell negative, NK cell-positive; Severe combined immunodeficiency due to complete RAG1/2 deficiency; SCID, T CELL-NEGATIVE, B CELL-NEGATIVE, NK CELL-POSITIVE. Identifiers: Orphanet 331206, MedGen C1832322, MONDO:0011086, OMIM 601457.

Submission:

Labcorp Genetics (formerly Invitae), Labcorp
Classification: Pathogenic for Combined immunodeficiency with skin granulomas; Severe combined immunodeficiency, autosomal recessive, T cell-negative, B cell-negative, NK cell-positive. Last evaluated: 2023-09-08. Review status: criteria provided, single submitter. Criteria: Invitae Variant Classification Sherloc (09022015). Collection method: clinical testing. Allele origin: germline.
Comment: For these reasons, this variant has been classified as Pathogenic. This variant disrupts a region of the RAG2 protein in which other variant(s) (p.Glu480*) have been determined to be pathogenic (PMID: 21624848, 29772310). This suggests that this is a clinically significant region of the protein, and that variants that disrupt it are likely to be disease-causing. ClinVar contains an entry for this variant (Variation ID: 1438791). This variant has not been reported in the literature in individuals affected with RAG2-related conditions. This variant is not present in population databases (gnomAD no frequency). This sequence change creates a premature translational stop signal (p.Leu242Trpfs*6) in the RAG2 gene. While this is not anticipated to result in nonsense mediated decay, it is expected to disrupt the last 286 amino acid(s) of the RAG2 protein.

Literature cited by the submitters: PubMed 21624848; PubMed 29772310.